The following is an entry in ClinVar:

ClinVar aggregate classification (germline): Uncertain significance (1 of 4 stars; one submission).

Allele frequency attached by ClinVar (database versions not stated): gnomAD 0.00001.
gnomAD v4.1: 48 of 1,614,004 alleles (0.003%); highest among the groups gnomAD compares: Non-Finnish European, 0.0037%; no homozygotes.

Submission:

Labcorp Genetics (formerly Invitae), Labcorp
Classification: Uncertain significance. Last evaluated: 2024-09-10. Review status: criteria provided, single submitter. Criteria: Invitae Variant Classification Sherloc (09022015). Collection method: clinical testing. Allele origin: germline.
Comment: This sequence change replaces asparagine, which is neutral and polar, with serine, which is neutral and polar, at codon 280 of the NTRK2 protein (p.Asn280Ser). This variant is present in population databases (no rsID available, gnomAD 0.006%). This variant has not been reported in the literature in individuals affected with NTRK2-related conditions. ClinVar contains an entry for this variant (Variation ID: 1499179). Invitae Evidence Modeling of protein sequence and biophysical properties (such as structural, functional, and spatial information, amino acid conservation, physicochemical variation, residue mobility, and thermodynamic stability) indicates that this missense variant is not expected to disrupt NTRK2 protein function with a negative predictive value of 80%. In summary, the available evidence is currently insufficient to determine the role of this variant in disease. Therefore, it has been classified as a Variant of Uncertain Significance.

NM_006180.6(NTRK2):c.839A>G (p.Asn280Ser)

Gene: NTRK2 (neurotrophic receptor tyrosine kinase 2; plus strand). Cytogenetic location: 9q21.33.
Variant type: single nucleotide variant.
Coding change: c.839A>G on transcript NM_006180.6 (MANE Select); coding-DNA position 839, A replaced by G.
Protein change: p.Asn280Ser; replaces asparagine 280 with serine.
Molecular consequence: missense variant.
Genome position (GRCh38, 1-based): chr9:84,724,342, A>G. VCF-style: chr9-84724342-A-G. GRCh37 (hg19) VCF-style: chr9-87339257-A-G.
Other names: c.839A>G, p.Asn280Ser (NM_001007097.3, NM_001018064.3, NM_001018065.2 and 18 more transcripts); c.371A>G, p.Asn124Ser (NM_001369535.1, NM_001369536.1, NM_001369550.1 and 2 more transcripts); short protein forms N124S, N280S.
Identifiers: ClinVar variation 1499179 (VCV001499179.6), dbSNP rs766162328, ClinGen allele CA195747762.